The following is an entry in ClinVar:

ClinVar aggregate classification (germline): Likely benign (1 of 4 stars; one submission).

Allele frequency attached by ClinVar (database versions not stated): TOPMed 0.00003; gnomAD 0.00016; 1000 Genomes Project 0.00020; gnomAD exomes 0.00028; 1000 Genomes Project 30x 0.00031; ExAC 0.00055.
gnomAD v4.1: 433 of 1,604,154 alleles (0.027%); highest among the groups gnomAD compares: South Asian, 0.44%; 5 homozygotes.

Submission:

CeGaT Center for Human Genetics Tuebingen
Classification: Likely benign. Last evaluated: 2023-03-01. Review status: criteria provided, single submitter. Criteria: CeGaT Center For Human Genetics Tuebingen Variant Classification Criteria Version 2. Collection method: clinical testing. Allele origin: germline. Affected: yes. Observed: 1 variant allele.
Comment: GALR1: BP4, BP7

NM_001480.4(GALR1):c.426C>T (p.Arg142=)

Gene: GALR1 (galanin receptor 1; plus strand). Cytogenetic location: 18q23.
Variant type: single nucleotide variant.
Coding change: c.426C>T on transcript NM_001480.4 (MANE Select); coding-DNA position 426, C replaced by T.
Protein change: p.Arg142=; no amino-acid change (arginine 142 retained).
Molecular consequence: synonymous variant.
Genome position (GRCh38, 1-based): chr18:77,250,974, C>T. VCF-style: chr18-77250974-C-T. GRCh37 (hg19) VCF-style: chr18-74962930-C-T.
Identifiers: ClinVar variation 2648818 (VCV002648818.24), dbSNP rs560128923, ClinGen allele CA9005840.